The following is an entry in ClinVar:

ClinVar aggregate classification (germline): Likely benign. Review status: criteria provided, multiple submitters, no conflicts (2 of 4 stars). 5 submissions from 5 submitters: Likely benign (4). 1 of the submissions does not count toward it. Last evaluated 2026-06-01.

Conditions:
DHCR7-related disorder. Also called: DHCR7-related condition.
Smith-Lemli-Opitz syndrome (SLOS). Also called: RSH SYNDROME; RUTLEDGE LETHAL MULTIPLE CONGENITAL ANOMALY SYNDROME; LETHAL ACRODYSGENITAL SYNDROME; 7-Dehydrocholesterol reductase deficiency; POLYDACTYLY, SEX REVERSAL, RENAL HYPOPLASIA, AND UNILOBAR LUNG. Identifiers: Orphanet 818, MedGen C0175694, MONDO:0010035, OMIM 270400.

Allele frequency attached by ClinVar (database versions not stated): gnomAD exomes 0.00003.
gnomAD v4.1: 31 of 1,613,782 alleles (0.0019%); highest among the groups gnomAD compares: East Asian, 0.0022%; no homozygotes.

Submissions (5):

CeGaT Center for Human Genetics Tuebingen
Classification: Likely benign. Last evaluated: 2026-06-01. Review status: criteria provided, single submitter. Criteria: CeGaT Center For Human Genetics Tuebingen Variant Classification Criteria Version 2. Collection method: clinical testing. Allele origin: germline. Affected: yes. Observed: 1 variant allele.
Comment: DHCR7: BP4, BP7

Labcorp Genetics (formerly Invitae), Labcorp
Classification: Likely benign for Smith-Lemli-Opitz syndrome. Last evaluated: 2025-11-12. Review status: criteria provided, single submitter. Criteria: Invitae Variant Classification Sherloc (09022015). Collection method: clinical testing. Allele origin: germline.

Blueprint Genetics
Classification: Likely benign. Last evaluated: 2024-10-14. Review status: criteria provided, single submitter. Criteria: ACMG Guidelines, 2015. Collection method: clinical testing. Allele origin: germline.

Fulgent Genetics
Classification: Likely benign for Smith-Lemli-Opitz syndrome. Last evaluated: 2022-05-03. Review status: criteria provided, single submitter. Criteria: ACMG Guidelines, 2015. Collection method: clinical testing. Allele origin: unknown.

PreventionGenetics, part of Exact Sciences
Classification: Likely benign for DHCR7-related condition. Last evaluated: 2021-06-23. Review status: no assertion criteria provided. Collection method: clinical testing. Allele origin: germline. Not counted in ClinVar's aggregate classification.
Comment: This variant is classified as likely benign based on ACMG/AMP sequence variant interpretation guidelines (Richards et al. 2015 PMID: 25741868, with internal and published modifications).

NM_001360.3(DHCR7):c.822C>T (p.Asn274=)

Gene: DHCR7 (7-dehydrocholesterol reductase; minus strand). Cytogenetic location: 11q13.4.
Variant type: single nucleotide variant.
Coding change: c.822C>T on transcript NM_001360.3 (MANE Select); coding-DNA position 822, C replaced by T.
Protein change: p.Asn274=; no amino-acid change (asparagine 274 retained).
Molecular consequence: synonymous variant.
Genome position (GRCh38, 1-based): chr11:71,438,888, G>A on the plus strand (C>T on the coding strand, the complement: DHCR7 is on the minus strand). VCF-style: chr11-71438888-G-A. GRCh37 (hg19) VCF-style: chr11-71149934-G-A.
Other names: c.822C>T (NM_001360.2); c.822C>T, p.Asn274= (NM_001163817.2).
Identifiers: ClinVar variation 1083147 (VCV001083147.15), dbSNP rs139787408, ClinGen allele CA6162450.
Genomic context (GRCh38, chr11:71,438,888, plus strand): 5'-CCCAGAGCCTGCCGGCATCGGCGTTTCACCCTCTCCAGCCATGACAGGCACCTGCAGGAC[G>A]TTGACCAGGACCATGGCATTGGTCACATGGCTGTGGAGCTCCCGCTGCTTCGCTGCGAAG-3'
Protein context (NP_001351.2, residues 264-284): SHVTNAMVLV[Asn274=]VLQAIYVIDF